The following is an entry in ClinVar:

ClinVar aggregate classification (germline): Benign/Likely benign. Review status: criteria provided, multiple submitters, no conflicts (2 of 4 stars). 3 submissions from 3 submitters: Benign (1); Likely benign (2). Last evaluated 2026-06-08.

Conditions:
Hereditary cancer-predisposing syndrome. Also called: Neoplastic Syndromes, Hereditary; Hereditary Cancer Syndrome; Hereditary neoplastic syndrome; Tumor predisposition. Identifiers: Orphanet 140162, MedGen C0027672, MeSH D009386, MONDO:0015356.
Hereditary pheochromocytoma and paraganglioma. Also called: Hereditary Paraganglioma-Pheochromocytoma Syndromes; Hereditary paragangliomas and pheochromocytomas; Hereditary pheochromocytoma-paraganglioma. Identifiers: Orphanet 29072, MedGen C4274332, MONDO:0017366.
Pheochromocytoma. Also called: MAX-Related Hereditary Paraganglioma-Pheochromocytoma Syndrome. Identifiers: Orphanet 29072, MedGen C0031511, MONDO:0008233, OMIM 171300, HP:0002666.

Allele frequency attached by ClinVar (database versions not stated): TOPMed 0.00001; gnomAD exomes 0.00002; gnomAD 0.00003 and 0.00004; ExAC 0.00002.
gnomAD v4.1: 42 of 1,614,008 alleles (0.0026%); highest among the groups gnomAD compares: Middle Eastern, 0.016%; no homozygotes.

Submissions (3):

Myriad Genetics, Inc.
Classification: Benign for Pheochromocytoma. Last evaluated: 2026-06-08. Review status: criteria provided, single submitter. Criteria: Myriad Autosomal Dominant, Autosomal Recessive and X-Linked Classification Criteria (2023). Collection method: clinical testing. Allele origin: unknown.
Comment: This variant is considered benign. This variant is a silent/synonymous amino acid change and it is not expected to impact splicing.

Labcorp Genetics (formerly Invitae), Labcorp
Classification: Likely benign for Hereditary pheochromocytoma and paraganglioma. Last evaluated: 2026-01-31. Review status: criteria provided, single submitter. Criteria: Invitae Variant Classification Sherloc (09022015). Collection method: clinical testing. Allele origin: germline.

Ambry Genetics
Classification: Likely benign for Hereditary cancer-predisposing syndrome. Last evaluated: 2019-12-18. Review status: criteria provided, single submitter. Criteria: Ambry Variant Classification Scheme 2023. Collection method: clinical testing. Allele origin: germline.

NM_002382.5(MAX):c.177C>G (p.Ser59=)

Gene: MAX (MYC associated transcriptional regulator X; minus strand). Cytogenetic location: 14q23.3.
Variant type: single nucleotide variant.
Coding change: c.177C>G on transcript NM_002382.5 (MANE Select); coding-DNA position 177, C replaced by G.
Protein change: p.Ser59=; no amino-acid change (serine 59 retained).
Molecular consequence: synonymous variant. On other transcripts: 5 prime UTR variant (6), non-coding transcript variant (7), intron variant (2).
Genome position (GRCh38, 1-based): chr14:65,078,031, G>C on the plus strand (C>G on the coding strand, the complement: MAX is on the minus strand). VCF-style: chr14-65078031-G-C. GRCh37 (hg19) VCF-style: chr14-65544749-G-C.
Other names: c.-98C>G (NM_001320415.2, NM_001407105.1, NM_001407106.1 and 1 more transcripts); c.177C>G, p.Ser59= (NM_001407094.1, NM_001407096.1, NM_001407097.1 and 3 more transcripts); c.150C>G, p.Ser50= (NM_001407095.1, NM_001407099.1, NM_001407100.1 and 6 more transcripts); c.69C>G, p.Ser23= (NM_001407098.1); c.-191C>G (NM_001407111.1, NM_001407112.1); c.144+15677C>G (NM_001271069.2); c.171+15677C>G (NM_197957.4).
Identifiers: ClinVar variation 532534 (VCV000532534.16), dbSNP rs781103630, ClinGen allele CA7232913.